The following is an entry in ClinVar:

ClinVar aggregate classification (germline): Uncertain significance (1 of 4 stars; one submission).

Submission:

Labcorp Genetics (formerly Invitae), Labcorp
Classification: Uncertain significance. Last evaluated: 2025-07-30. Review status: criteria provided, single submitter. Criteria: Invitae Variant Classification Sherloc (09022015). Collection method: clinical testing. Allele origin: germline.
Comment: This sequence change replaces histidine, which is basic and polar, with proline, which is neutral and non-polar, at codon 2591 of the FLNB protein (p.His2591Pro). This variant is not present in population databases (gnomAD no frequency). This variant has not been reported in the literature in individuals affected with FLNB-related conditions. Invitae Evidence Modeling of protein sequence and biophysical properties (such as structural, functional, and spatial information, amino acid conservation, physicochemical variation, residue mobility, and thermodynamic stability) indicates that this missense variant is not expected to disrupt FLNB protein function with a negative predictive value of 95%. In summary, the available evidence is currently insufficient to determine the role of this variant in disease. Therefore, it has been classified as a Variant of Uncertain Significance.

NM_001457.4(FLNB):c.7772A>C (p.His2591Pro)

Gene: FLNB (filamin B; plus strand). Cytogenetic location: 3p14.3.
Variant type: single nucleotide variant.
Coding change: c.7772A>C on transcript NM_001457.4 (MANE Select); coding-DNA position 7772, A replaced by C.
Protein change: p.His2591Pro; replaces histidine 2591 with proline.
Molecular consequence: missense variant.
Genome position (GRCh38, 1-based): chr3:58,170,725, A>C. VCF-style: chr3-58170725-A-C. GRCh37 (hg19) VCF-style: chr3-58156452-A-C.
Other names: c.7865A>C, p.His2622Pro (NM_001164317.2); c.7739A>C, p.His2580Pro (NM_001164318.2); c.7700A>C, p.His2567Pro (NM_001164319.2); short protein forms H2567P, H2580P, H2591P, H2622P.
Identifiers: ClinVar variation 4801734 (VCV004801734.1).